The following is an entry in ClinVar:

NM_001134363.3(RBM20):c.3615C>T (p.Thr1205=)

Gene: RBM20 (RNA binding motif protein 20; plus strand). Cytogenetic location: 10q25.2.
Variant type: single nucleotide variant.
Coding change: c.3615C>T on transcript NM_001134363.3 (MANE Select); coding-DNA position 3615, C replaced by T.
Protein change: p.Thr1205=; no amino-acid change (threonine 1205 retained).
Molecular consequence: synonymous variant.
Genome position (GRCh38, 1-based): chr10:110,835,909, C>T. VCF-style: chr10-110835909-C-T. GRCh37 (hg19) VCF-style: chr10-112595667-C-T.
Identifiers: ClinVar variation 697364 (VCV000697364.42), dbSNP rs1290529555, ClinGen allele CA471370766.

ClinVar aggregate classification (germline): Likely benign. Review status: criteria provided, multiple submitters, no conflicts (2 of 4 stars). 4 submissions from 4 submitters: Likely benign (4). Last evaluated 2025-09-23.

Conditions:
Cardiovascular phenotype. Identifiers: MedGen CN230736.
Dilated cardiomyopathy 1DD (CMD1DD). Identifiers: Orphanet 154, MedGen C2750995, MONDO:0013168, OMIM 613172.

Allele frequency attached by ClinVar (database versions not stated): gnomAD 0.00002; gnomAD exomes 0.00002 and 0.00007; TOPMed 0.00004.
gnomAD v4.1: 38 of 1,541,762 alleles (0.0025%); highest among the groups gnomAD compares: Admixed American, 0.002%; no homozygotes.

Submissions (4):

Labcorp Genetics (formerly Invitae), Labcorp
Classification: Likely benign for Dilated cardiomyopathy 1DD. Last evaluated: 2025-09-23. Review status: criteria provided, single submitter. Criteria: Invitae Variant Classification Sherloc (09022015). Collection method: clinical testing. Allele origin: germline.

CeGaT Center for Human Genetics Tuebingen
Classification: Likely benign. Last evaluated: 2023-07-01. Review status: criteria provided, single submitter. Criteria: CeGaT Center For Human Genetics Tuebingen Variant Classification Criteria Version 2. Collection method: clinical testing. Allele origin: germline. Affected: yes. Observed: 3 variant alleles.
Comment: RBM20: BP4, BP7

Ambry Genetics
Classification: Likely benign for Cardiovascular phenotype. Last evaluated: 2021-09-13. Review status: criteria provided, single submitter. Criteria: Ambry Variant Classification Scheme 2023. Collection method: clinical testing. Allele origin: germline.

GeneDx
Classification: Likely benign. Last evaluated: 2018-10-17. Review status: criteria provided, single submitter. Criteria: GeneDx Variant Classification Process June 2021. Collection method: clinical testing. Allele origin: germline. Affected: yes.